The following is an entry in ClinVar:

ClinVar aggregate classification (germline): Uncertain significance (1 of 4 stars; one submission).

Conditions:
Nemaline myopathy 2 (NEM2). Also called: Nemaline myopathy 2, autosomal recessive. Identifiers: MedGen C1850569, MONDO:0009725, OMIM 256030.

Submission:

Labcorp Genetics (formerly Invitae), Labcorp
Classification: Uncertain significance for Nemaline myopathy 2. Last evaluated: 2024-04-22. Review status: criteria provided, single submitter. Criteria: Invitae Variant Classification Sherloc (09022015). Collection method: clinical testing. Allele origin: germline.
Comment: This variant, c.2368_2370dup, results in the insertion of 1 amino acid(s) of the NEB protein (p.Ala790dup), but otherwise preserves the integrity of the reading frame. This variant is not present in population databases (gnomAD no frequency). This variant has not been reported in the literature in individuals affected with NEB-related conditions. ClinVar contains an entry for this variant (Variation ID: 1435256). Experimental studies and prediction algorithms are not available or were not evaluated, and the functional significance of this variant is currently unknown. In summary, the available evidence is currently insufficient to determine the role of this variant in disease. Therefore, it has been classified as a Variant of Uncertain Significance.

NM_001164508.2(NEB):c.2368_2370dup (p.Ala790dup)

Gene: NEB (nebulin; minus strand). Cytogenetic location: 2q23.3.
Variant type: Duplication.
Coding change: c.2368_2370dup on transcript NM_001164508.2 (MANE Select); coding-DNA positions 2368 to 2370, 3 bases duplicated (GCT; older notation c.2368_2370dupGCT).
Protein change: p.Ala790dup; duplicates alanine 790.
Molecular consequence: inframe insertion.
Genome position (GRCh38, 1-based): chr2:151,688,337-151,688,339, AGC duplicated on the plus strand (GCT on the coding strand, the reverse complement: NEB is on the minus strand); duplicating any 3 consecutive bases within chr2:151,688,337-151,688,340 gives the same sequence; the c. name uses the placement nearest the transcript's 3' end. VCF-style (leftmost placement, unchanged base first): chr2-151688336-G-GAGC. GRCh37 (hg19) VCF-style: chr2-152544850-G-GAGC.
Other names: c.2368_2370dup, p.Ala790dup (NM_001164507.2, NM_001271208.2, NM_004543.5).
Identifiers: ClinVar variation 1435256 (VCV001435256.9), dbSNP rs2148990366, ClinGen allele CA2573133244.
Genomic context (GRCh38, chr2:151,688,336, plus strand): 5'-TGGCTTTGGTACTTACATCACTCAGATTATAGGCATTGACTCTGTGTTGGATAAACTGTG[G>GAGC]AGCATCTGCTGGTATATGGCACTTGAACTTCTCACCTTCATGTTTTGCTTTGTAATTCAG-3'